The following is an entry in ClinVar:

NM_001384125.1(BLTP1):c.11368C>T (p.Pro3790Ser)

Gene: BLTP1 (bridge-like lipid transfer protein family member 1; plus strand). Cytogenetic location: 4q27.
Variant type: single nucleotide variant.
Coding change: c.11368C>T on transcript NM_001384125.1 (MANE Select); coding-DNA position 11368, C replaced by T.
Protein change: p.Pro3790Ser; replaces proline 3790 with serine.
Molecular consequence: missense variant.
Genome position (GRCh38, 1-based): chr4:122,328,212, C>T. VCF-style: chr4-122328212-C-T. GRCh37 (hg19) VCF-style: chr4-123249367-C-T.
Other names: c.11104C>T, p.Pro3702Ser (NM_015312.4); short protein forms P3702S, P3790S.
Identifiers: ClinVar variation 1338857 (VCV001338857.2), dbSNP rs2150004811, ClinGen allele CA358074791.

ClinVar aggregate classification (germline): Uncertain significance (1 of 4 stars; one submission).

Conditions:
Alkuraya-Kucinskas syndrome. Identifiers: Orphanet 610569, MedGen C4693347, MONDO:0060631, OMIM 617822.

Submission:

Molecular Genetics, Royal Melbourne Hospital
Classification: Uncertain significance for Alkuraya-Kucinskas syndrome. Last evaluated: 2023-03-30. Review status: criteria provided, single submitter. Criteria: ACMG Guidelines, 2015. Collection method: clinical testing. Allele origin: germline.
Comment: This sequence change in KIAA1109 is predicted to replace proline with serine at codon 3790, p.(Pro3790Ser). The proline residue is highly conserved (100 vertebrates, UCSC), and is not located in an annotated functional domain. There is a moderate physicochemical difference between proline and serine. This variant is absent from gnomAD v2.1 and v3.1. To our knowledge, this variant has not been reported in the literature in any individuals with KIAA1109-related disease. Multiple lines of computational evidence have conflicting predictions for the missense substitution (5/6 algorithms predict benign). Based on the classification scheme RMH Modified ACMG Guidelines v1.4.0, this variant is classified as a VARIANT OF UNCERTAIN SIGNIFICANCE. Following criteria are met: PM2_Supporting.